The following is an entry in ClinVar:

NM_003640.5(ELP1):c.1289T>A (p.Leu430Ter)

Gene: ELP1 (elongator acetyltransferase complex subunit 1; minus strand). Cytogenetic location: 9q31.3.
Variant type: single nucleotide variant.
Coding change: c.1289T>A on transcript NM_003640.5 (MANE Select); coding-DNA position 1289, T replaced by A.
Protein change: p.Leu430Ter; replaces leucine 430 with a stop codon.
Molecular consequence: nonsense.
Genome position (GRCh38, 1-based): chr9:108,911,081, A>T on the plus strand (T>A on the coding strand, the complement: ELP1 is on the minus strand). VCF-style: chr9-108911081-A-T. GRCh37 (hg19) VCF-style: chr9-111673361-A-T.
Other names: c.1289T>A (NM_003640.4); c.947T>A, p.Leu316Ter (NM_001318360.2); c.242T>A, p.Leu81Ter (NM_001330749.2); short protein forms L316*, L81*, L430*.
Identifiers: ClinVar variation 1386347 (VCV001386347.7), dbSNP rs2132013740, ClinGen allele CA374428723.

ClinVar aggregate classification (germline): Pathogenic/Likely pathogenic. Review status: criteria provided, multiple submitters, no conflicts (2 of 4 stars). 2 submissions from 2 submitters: Pathogenic (1); Likely pathogenic (1). Last evaluated 2024-04-15.

Conditions:
Familial dysautonomia. Also called: FD; HSAN III. Identifiers: Orphanet 1764, MedGen C0013364, MONDO:0009131, OMIM 223900. Disease mechanism: loss of function.

Allele frequency attached by ClinVar (database versions not stated): gnomAD exomes below 0.00001.
gnomAD v4.1: 1 of 1,614,138 alleles (0.000062%); highest among the groups gnomAD compares: Non-Finnish European, 0.000085%; no homozygotes.

Submissions (2):

Natera, Inc.
Classification: Likely pathogenic for Familial dysautonomia. Last evaluated: 2024-04-15. Review status: criteria provided, single submitter. Criteria: Natera Variant Classification Schema (03/2026). Collection method: clinical testing. Allele origin: germline.
Comment: The c.1289T>A variant in ELP1 is a nonsense variant predicted to introduce a stop codon at amino acid 430. This variant is expected to result in nonsense mediated decay, truncation, or a dysfunctional protein product. This variant is rare in the general population with a frequency below the threshold expected for the associated phenotype(s). Given the available evidence, this variant is classified as Likely Pathogenic.

Labcorp Genetics (formerly Invitae), Labcorp
Classification: Pathogenic. Last evaluated: 2021-03-26. Review status: criteria provided, single submitter. Criteria: Invitae Variant Classification Sherloc (09022015). Collection method: clinical testing. Allele origin: germline.
Comment: This sequence change creates a premature translational stop signal (p.Leu430*) in the ELP1 gene. It is expected to result in an absent or disrupted protein product. Loss-of-function variants in ELP1 are known to be pathogenic (PMID: 18303054, 24173031). This variant is not present in population databases (ExAC no frequency). For these reasons, this variant has been classified as Pathogenic. This variant has not been reported in the literature in individuals with ELP1-related conditions.

Literature cited by the submitters: PubMed 18303054 (cited by Labcorp Genetics (formerly Invitae), Labcorp); PubMed 24173031 (cited by Labcorp Genetics (formerly Invitae), Labcorp).